The following is an entry in ClinVar:

ClinVar aggregate classification (germline): Uncertain significance. Review status: criteria provided, multiple submitters, no conflicts (2 of 4 stars). 5 submissions from 5 submitters: Uncertain significance (5). Last evaluated 2025-09-11.

Conditions:
Hereditary cancer-predisposing syndrome. Also called: Tumor predisposition; Hereditary neoplastic syndrome; Neoplastic Syndromes, Hereditary; Hereditary Cancer Syndrome. Identifiers: Orphanet 140162, MedGen C0027672, MeSH D009386, MONDO:0015356.
Familial adenomatous polyposis 1 (FAP1). Also called: POLYPOSIS, ADENOMATOUS INTESTINAL; FAMILIAL ADENOMATOUS POLYPOSIS 1, ATTENUATED. Identifiers: MedGen C2713442, MONDO:0021056, OMIM 175100. Disease mechanism: loss of function.
Classic or attenuated familial adenomatous polyposis. Identifiers: MedGen CN372698, MONDO:0021057.
Colorectal cancer, susceptibility to. Identifiers: MedGen C1858438.

Allele frequency attached by ClinVar (database versions not stated): gnomAD exomes below 0.00001.
gnomAD v4.1: 13 of 1,613,828 alleles (0.00081%); highest among the groups gnomAD compares: South Asian, 0.0011%; no homozygotes.

Submissions (5):

Ambry Genetics
Classification: Uncertain significance for Hereditary cancer-predisposing syndrome. Last evaluated: 2025-09-11. Review status: criteria provided, single submitter. Criteria: Ambry Variant Classification Scheme 2023. Collection method: clinical testing. Allele origin: germline.
Comment: The p.K2412R variant (also known as c.7235A>G), located in coding exon 15 of the APC gene, results from an A to G substitution at nucleotide position 7235. The lysine at codon 2412 is replaced by arginine, an amino acid with highly similar properties. This amino acid position is highly conserved in available vertebrate species. In addition, in silico predictors for this gene do not accurately predict pathogenicity. Based on the available evidence, the clinical significance of this variant remains unclear.

All of Us Research Program, National Institutes of Health
Classification: Uncertain significance for Classic or attenuated familial adenomatous polyposis. Last evaluated: 2024-05-30. Review status: criteria provided, single submitter. Criteria: ACMG Guidelines, 2015. Collection method: clinical testing. Allele origin: germline. Inheritance: Autosomal dominant inheritance. Observed: 2 variant alleles, 2 heterozygotes.
Comment: This missense variant replaces lysine with arginine at codon 2412 of the APC protein. Computational prediction suggests that this variant may not impact protein structure and function (internally defined REVEL score threshold <= 0.5, PMID: 27666373). To our knowledge, functional studies have not been reported for this variant. This variant has been reported in an individual affected with polyps who had a family history of colon cancer (PMID: 26845104). This variant has been identified in 1/250006 chromosomes in the general population by the Genome Aggregation Database (gnomAD). The available evidence is insufficient to determine the role of this variant in disease conclusively. Therefore, this variant is classified as a Variant of Uncertain Significance.

This study involves interpretation of variants in research participants for the purpose of population health screening. Participant phenotype was not available at the time of variant classification. Additional details can be found in publication PMID: 35346344, PMCID: PMC8962531

Labcorp Genetics (formerly Invitae), Labcorp
Classification: Uncertain significance for Familial adenomatous polyposis 1. Last evaluated: 2024-01-27. Review status: criteria provided, single submitter. Criteria: Invitae Variant Classification Sherloc (09022015). Collection method: clinical testing. Allele origin: germline.
Comment: This sequence change replaces lysine, which is basic and polar, with arginine, which is basic and polar, at codon 2412 of the APC protein (p.Lys2412Arg). This variant is present in population databases (no rsID available, gnomAD 0.003%). This missense change has been observed in individual(s) with colon cancer (PMID: 26845104). ClinVar contains an entry for this variant (Variation ID: 224554). Advanced modeling of protein sequence and biophysical properties (such as structural, functional, and spatial information, amino acid conservation, physicochemical variation, residue mobility, and thermodynamic stability) performed at Invitae indicates that this missense variant is not expected to disrupt APC protein function with a negative predictive value of 95%. In summary, the available evidence is currently insufficient to determine the role of this variant in disease. Therefore, it has been classified as a Variant of Uncertain Significance.

University of Washington Department of Laboratory Medicine, University of Washington
Classification: Uncertain significance for Colorectal cancer, susceptibility to. Last evaluated: 2015-11-20. Review status: criteria provided, single submitter. Criteria: Shirts et al. (Genet Med 2016). Collection method: clinical testing. Allele origin: germline. Affected: no. Observed: 1 variant allele.

CSER _CC_NCGL, University of Washington
Classification: Uncertain significance for Familial Adenomatous Polyposis. Last evaluated: 2015-03-11. Review status: criteria provided, single submitter. Criteria: Amendola et al. (Genome Res. 2015). Collection method: research. Allele origin: germline. Inheritance: Autosomal dominant inheritance. Study: CSER - NEXT Medicine variant annotation.

Literature cited by the submitters: PubMed 26845104 (cited by 3 submitters).

NM_000038.6(APC):c.7235A>G (p.Lys2412Arg)

Gene: APC (APC regulator of Wnt signaling pathway; plus strand). Cytogenetic location: 5q22.2.
Variant type: single nucleotide variant.
Coding change: c.7235A>G on transcript NM_000038.6 (MANE Select); coding-DNA position 7235, A replaced by G.
Protein change: p.Lys2412Arg; replaces lysine 2412 with arginine.
Molecular consequence: missense variant.
Genome position (GRCh38, 1-based): chr5:112,842,829, A>G. VCF-style: chr5-112842829-A-G. GRCh37 (hg19) VCF-style: chr5-112178526-A-G.
Other names: c.7235A>G, p.Lys2412Arg (NM_001127510.3, NM_001354895.2); c.7181A>G, p.Lys2394Arg (NM_001127511.3); c.7289A>G, p.Lys2430Arg (NM_001354896.2); c.7265A>G, p.Lys2422Arg (NM_001354897.2); c.7160A>G, p.Lys2387Arg (NM_001354898.2); c.7151A>G, p.Lys2384Arg (NM_001354899.2); c.7112A>G, p.Lys2371Arg (NM_001354900.2); c.7058A>G, p.Lys2353Arg (NM_001354901.2); and 5 more; short protein forms K2394R, K2412R, K2371R, K2129R, K2252R, K2311R, K2353R, K2430R.
Identifiers: ClinVar variation 224554 (VCV000224554.15), dbSNP rs869312785, ClinGen allele CA353522.